The following is an entry in ClinVar:

ClinVar aggregate classification (germline): Uncertain significance (1 of 4 stars; one submission).

Conditions:
Brugada syndrome 8 (BRGDA8). Identifiers: Orphanet 130, MedGen C2751083, MONDO:0013148, OMIM 613123.

Submission:

Labcorp Genetics (formerly Invitae), Labcorp
Classification: Uncertain significance for Brugada syndrome 8. Last evaluated: 2025-05-05. Review status: criteria provided, single submitter. Criteria: Invitae Variant Classification Sherloc (09022015). Collection method: clinical testing. Allele origin: germline.
Comment: This sequence change replaces proline, which is neutral and non-polar, with threonine, which is neutral and polar, at codon 924 of the HCN4 protein (p.Pro924Thr). This variant is not present in population databases (gnomAD no frequency). This variant has not been reported in the literature in individuals affected with HCN4-related conditions. Invitae Evidence Modeling of protein sequence and biophysical properties (such as structural, functional, and spatial information, amino acid conservation, physicochemical variation, residue mobility, and thermodynamic stability) indicates that this missense variant is not expected to disrupt HCN4 protein function with a negative predictive value of 95%. In summary, the available evidence is currently insufficient to determine the role of this variant in disease. Therefore, it has been classified as a Variant of Uncertain Significance.

NM_005477.3(HCN4):c.2770C>A (p.Pro924Thr)

Gene: HCN4 (hyperpolarization activated cyclic nucleotide gated potassium channel 4; minus strand). Cytogenetic location: 15q24.1.
Variant type: single nucleotide variant.
Coding change: c.2770C>A on transcript NM_005477.3 (MANE Select); coding-DNA position 2770, C replaced by A.
Protein change: p.Pro924Thr; replaces proline 924 with threonine.
Molecular consequence: missense variant.
Genome position (GRCh38, 1-based): chr15:73,323,323, G>T on the plus strand (C>A on the coding strand, the complement: HCN4 is on the minus strand). VCF-style: chr15-73323323-G-T. GRCh37 (hg19) VCF-style: chr15-73615664-G-T.
Other names: short protein forms P924T.
Identifiers: ClinVar variation 4802400 (VCV004802400.1).